The following is an entry in ClinVar:

NM_005121.3(MED13):c.2640C>G (p.Phe880Leu)

Gene: MED13 (mediator complex subunit 13; minus strand). Cytogenetic location: 17q23.2.
Variant type: single nucleotide variant.
Coding change: c.2640C>G on transcript NM_005121.3 (MANE Select); coding-DNA position 2640, C replaced by G.
Protein change: p.Phe880Leu; replaces phenylalanine 880 with leucine.
Molecular consequence: missense variant.
Genome position (GRCh38, 1-based): chr17:61,984,702, G>C on the plus strand (C>G on the coding strand, the complement: MED13 is on the minus strand). VCF-style: chr17-61984702-G-C. GRCh37 (hg19) VCF-style: chr17-60062063-G-C.
Other names: short protein forms F880L.
Identifiers: ClinVar variation 1215139 (VCV001215139.3), dbSNP rs920354594, ClinGen allele CA292814873.

ClinVar aggregate classification (germline): Uncertain significance (1 of 4 stars; one submission).

Submission:

GeneDx
Classification: Uncertain significance. Last evaluated: 2019-08-09. Review status: criteria provided, single submitter. Criteria: GeneDx Variant Classification Process June 2021. Collection method: clinical testing. Allele origin: germline. Affected: yes.
Comment: Not observed in large population cohorts (Lek et al., 2016); In silico analysis, which includes protein predictors and evolutionary conservation, supports a deleterious effect; Has not been previously published as pathogenic or benign to our knowledge